The following is an entry in ClinVar:

ClinVar aggregate classification (germline): Uncertain significance (1 of 4 stars; one submission).

Submission:

Labcorp Genetics (formerly Invitae), Labcorp
Classification: Uncertain significance. Last evaluated: 2022-04-07. Review status: criteria provided, single submitter. Criteria: Invitae Variant Classification Sherloc (09022015). Collection method: clinical testing. Allele origin: germline.
Comment: Experimental studies and prediction algorithms are not available or were not evaluated, and the functional significance of this variant is currently unknown. In summary, the available evidence is currently insufficient to determine the role of this variant in disease. Therefore, it has been classified as a Variant of Uncertain Significance. This variant has not been reported in the literature in individuals affected with CDH23-related conditions. This variant results in a copy number gain of the genomic region encompassing exon(s) 25-70 of the CDH23 gene. This region includes the termination codon of the gene. This copy number gain extends beyond the assayed region for this gene and therefore may encompass additional genes. As the precise location of this event is unknown, it may be in tandem or it may be located elsewhere in the genome.

NC_000010.10:g.(?_73464648)_(73768229_?)dup

Genes: VSIR (V-set immunoregulatory receptor; minus strand), C10orf105 (chromosome 10 open reading frame 105; minus strand), CDH23 (cadherin related 23; plus strand), CHST3 (carbohydrate sulfotransferase 3; plus strand), PSAP (prosaposin; minus strand). Cytogenetic location: 10q22.1.
Variant type: Duplication.
Identifiers: ClinVar variation 2426729 (VCV002426729.4).